The following is an entry in ClinVar:

NM_000238.4(KCNH2):c.3403_3406dup (p.Leu1136fs)

Gene: KCNH2 (potassium voltage-gated channel subfamily H member 2; minus strand). Cytogenetic location: 7q36.1.
Variant type: Duplication.
Coding change: c.3403_3406dup on transcript NM_000238.4 (MANE Select); coding-DNA positions 3403 to 3406, 4 bases duplicated (CGCC; older notation c.3403_3406dupCGCC).
Protein change: p.Leu1136fs; shifts the reading frame from leucine 1136.
Molecular consequence: frameshift variant.
Genome position (GRCh38, 1-based): chr7:150,945,439-150,945,442, GGCG duplicated on the plus strand (CGCC on the coding strand, the reverse complement: KCNH2 is on the minus strand). VCF-style (leftmost placement, unchanged base first): chr7-150945438-A-AGGCG. GRCh37 (hg19) VCF-style: chr7-150642526-A-AGGCG.
Other names: c.2383_2386dup, p.Leu796fs (NM_172057.3); short protein forms L1136fs, L796fs.
Identifiers: ClinVar variation 1304543 (VCV001304543.2), dbSNP rs2116917575, ClinGen allele CA2573052835.

ClinVar aggregate classification (germline): Uncertain significance (1 of 4 stars; one submission).

Submission:

GeneDx
Classification: Uncertain significance. Last evaluated: 2020-01-10. Review status: criteria provided, single submitter. Criteria: GeneDx Variant Classification Process June 2021. Collection method: clinical testing. Allele origin: germline. Affected: yes.
Comment: Reported in a patient referred for LQTS genetic testing (Kapplinger et al., 2009); Not observed in large population cohorts (Lek et al., 2016); Frameshift variant predicted to result in protein truncation as the last 24 amino acids are lost and replaced with 134 incorrect amino acids; however, loss-of-function variants have not been reported downstream of this position in the protein; This variant is associated with the following publications: (PMID: 19716085)